The following is an entry in ClinVar:

NM_004612.4(TGFBR1):c.778C>A (p.Leu260Met)

Gene: TGFBR1 (transforming growth factor beta receptor 1; plus strand). Cytogenetic location: 9q22.33.
Variant type: single nucleotide variant.
Coding change: c.778C>A on transcript NM_004612.4 (MANE Select); coding-DNA position 778, C replaced by A.
Protein change: p.Leu260Met; replaces leucine 260 with methionine.
Molecular consequence: missense variant. On other transcripts: non-coding transcript variant (4), intron variant (2).
Genome position (GRCh38, 1-based): chr9:99,138,062, C>A. VCF-style: chr9-99138062-C-A. GRCh37 (hg19) VCF-style: chr9-101900344-C-A.
Other names: c.547C>A, p.Leu183Met (NM_001130916.3); c.790C>A, p.Leu264Met (NM_001306210.2, NM_001407416.1); c.778C>A, p.Leu260Met (NM_001407417.1); c.583C>A, p.Leu195Met (NM_001407418.1, NM_001407419.1, NM_001407420.1 and 1 more transcripts); c.571C>A, p.Leu191Met (NM_001407423.1, NM_001407424.1, NM_001407425.1 and 8 more transcripts); c.532C>A, p.Leu178Met (NM_001407436.1); c.301C>A, p.Leu101Met (NM_001407438.1); c.575-4474C>A (NM_001407435.1); and 1 more; short protein forms L264M, L183M, L191M, L260M, L101M, L195M, L178M.
Identifiers: ClinVar variation 2862296 (VCV002862296.3), dbSNP rs1412169459, ClinGen allele CA374230281.

ClinVar aggregate classification (germline): Uncertain significance (1 of 4 stars; one submission).

Conditions:
Familial thoracic aortic aneurysm and aortic dissection (TAAD). Also called: Thoracic aortic aneurysms and dissections. Identifiers: Orphanet 91387, MedGen C4707243, MONDO:0019625.

Submission:

Labcorp Genetics (formerly Invitae), Labcorp
Classification: Uncertain significance for Familial thoracic aortic aneurysm and aortic dissection. Last evaluated: 2023-05-05. Review status: criteria provided, single submitter. Criteria: Invitae Variant Classification Sherloc (09022015). Collection method: clinical testing. Allele origin: germline.
Comment: This variant has not been reported in the literature in individuals affected with TGFBR1-related conditions. In summary, the available evidence is currently insufficient to determine the role of this variant in disease. Therefore, it has been classified as a Variant of Uncertain Significance. This variant disrupts the p.Leu260 amino acid residue in TGFBR1. Other variant(s) that disrupt this residue have been determined to be pathogenic (Invitae). This suggests that this residue is clinically significant, and that variants that disrupt this residue are likely to be disease-causing. Advanced modeling of protein sequence and biophysical properties (such as structural, functional, and spatial information, amino acid conservation, physicochemical variation, residue mobility, and thermodynamic stability) performed at Invitae indicates that this missense variant is expected to disrupt TGFBR1 protein function. This variant is not present in population databases (gnomAD no frequency). This sequence change replaces leucine, which is neutral and non-polar, with methionine, which is neutral and non-polar, at codon 260 of the TGFBR1 protein (p.Leu260Met).